The following is an entry in ClinVar:

NM_007078.3(LDB3):c.2078C>A (p.Thr693Asn)

Gene: LDB3 (LIM domain binding 3; plus strand). Cytogenetic location: 10q23.2.
Variant type: single nucleotide variant.
Coding change: c.2078C>A on transcript NM_007078.3 (MANE Select); coding-DNA position 2078, C replaced by A.
Protein change: p.Thr693Asn; replaces threonine 693 with asparagine.
Molecular consequence: missense variant.
Genome position (GRCh38, 1-based): chr10:86,726,236, C>A. VCF-style: chr10-86726236-C-A. GRCh37 (hg19) VCF-style: chr10-88485993-C-A.
Other names: c.1748C>A, p.Thr583Asn (NM_001080114.2); c.2093C>A, p.Thr698Asn (NM_001171610.2); c.1889C>A, p.Thr630Asn (NM_001368064.1, NM_001368065.1); c.1937C>A, p.Thr646Asn (NM_001368066.1); short protein forms T693N, T630N, T646N, T698N, T583N.
Identifiers: ClinVar variation 45539 (VCV000045539.6), dbSNP rs397517219, ClinGen allele CA136577.
Genomic context (GRCh38, chr10:86,726,236, plus strand): 5'-ATTTCCCCGTGGAGGCTGGCGACAAGTTTATCGAAGCCCTGGGCCACACTTGGCACGACA[C>A]CTGCTTCATTTGCGCAGTATGTCTCTAGCTTGGGGCTCTGGCTTTCTGAGAAGAGGCAGG-3'
Protein context (NP_009009.1, residues 683-703): IEALGHTWHD[Thr693Asn]CFICAVCHVN

ClinVar aggregate classification (germline): Uncertain significance (1 of 4 stars; one submission).

gnomAD v4.1: 1 of 1,613,964 alleles (0.000062%); highest among the groups gnomAD compares: Non-Finnish European, 0.000085%; no homozygotes.

Submission:

Laboratory for Molecular Medicine, Mass General Brigham Personalized Medicine
Classification: Uncertain significance. Last evaluated: 2020-12-03. Review status: criteria provided, single submitter. Criteria: LMM Criteria. Collection method: clinical testing. Allele origin: germline. Observed: 1 variant allele.
Comment: Computational prediction tools and conservation analyses do not provide strong support for or against an impact to the protein. In summary, the clinical significance of this variant is uncertain. ACMG/AMP Criteria applied: PM2_Supporting.